The following is an entry in ClinVar:

NM_176787.5(PIGN):c.1494dup (p.Leu499fs)

Gene: PIGN (phosphatidylinositol glycan anchor biosynthesis class N; minus strand). Cytogenetic location: 18q21.33.
Variant type: Duplication.
Coding change: c.1494dup on transcript NM_176787.5 (MANE Select); coding-DNA position 1494, one base duplicated (T; older notation c.1494dupT).
Protein change: p.Leu499fs; shifts the reading frame from leucine 499.
Molecular consequence: frameshift variant.
Genome position (GRCh38, 1-based): chr18:62,109,914, A duplicated on the plus strand (T on the coding strand, the reverse complement: PIGN is on the minus strand); the first of 6 consecutive A bases (chr18:62,109,914-62,109,919); duplicating any one gives the same sequence. VCF-style (leftmost placement, unchanged base first): chr18-62109913-G-GA. GRCh37 (hg19) VCF-style: chr18-59777146-G-GA.
Other names: c.1494dup, p.Leu499fs (NM_012327.6); c.1494dupT (NM_176787.4); c.1494dup (NM_176787.4); short protein forms L499fs.
Identifiers: ClinVar variation 658963 (VCV000658963.7), dbSNP rs750418747, ClinGen allele CA8982270.
Genomic context (GRCh38, chr18:62,109,913, plus strand): 5'-ATATTGGCAGTGGCAACAAACCATATACATAATATGTCCAGGGACAGGCTTGAATCAGCA[G>GA]AAAAAATGCTACTAAAATGCCAATAGCTACAAAACTACAAGGCAGGAGATGGCTTGGTTT-3'

ClinVar aggregate classification (germline): Pathogenic/Likely pathogenic. Review status: criteria provided, multiple submitters, no conflicts (2 of 4 stars). 2 submissions from 2 submitters: Pathogenic (1); Likely pathogenic (1). Last evaluated 2024-10-15.

Conditions:
Multiple congenital anomalies-hypotonia-seizures syndrome 1 (MCAHS1). Also called: PIGN-CDG; Congenital disorder of glycosylation due to PIGN deficiency; GLYCOSYLPHOSPHATIDYLINOSITOL BIOSYNTHESIS DEFECT 3. Identifiers: Orphanet 280633, MedGen C3279775, MONDO:0013563, OMIM 614080.

Submissions (2):

Labcorp Genetics (formerly Invitae), Labcorp
Classification: Pathogenic for Multiple congenital anomalies-hypotonia-seizures syndrome 1. Last evaluated: 2024-10-15. Review status: criteria provided, single submitter. Criteria: Invitae Variant Classification Sherloc (09022015). Collection method: clinical testing. Allele origin: germline.
Comment: This sequence change creates a premature translational stop signal (p.Leu499Serfs*58) in the PIGN gene. It is expected to result in an absent or disrupted protein product. Loss-of-function variants in PIGN are known to be pathogenic (PMID: 24253414, 27038415). This variant is present in population databases (rs750418747, gnomAD 0.002%). This variant has not been reported in the literature in individuals affected with PIGN-related conditions. ClinVar contains an entry for this variant (Variation ID: 658963). For these reasons, this variant has been classified as Pathogenic.

GeneDx
Classification: Likely pathogenic. Last evaluated: 2022-07-19. Review status: criteria provided, single submitter. Criteria: GeneDx Variant Classification Process June 2021. Collection method: clinical testing. Allele origin: germline. Affected: yes.
Comment: Frameshift variant predicted to result in protein truncation or nonsense mediated decay in a gene for which loss of function is a known mechanism of disease; Not observed at significant frequency in large population cohorts (gnomAD); Has not been previously published as pathogenic or benign to our knowledge; This variant is associated with the following publications: (PMID: 24253414, 27038415)

Literature cited by the submitters: PubMed 24253414 (cited by Labcorp Genetics (formerly Invitae), Labcorp); PubMed 27038415 (cited by Labcorp Genetics (formerly Invitae), Labcorp).